The following is an entry in ClinVar:

NM_001084.5(PLOD3):c.1691C>T (p.Pro564Leu)

Gene: PLOD3 (procollagen-lysine,2-oxoglutarate 5-dioxygenase 3; minus strand). Cytogenetic location: 7q22.1.
Variant type: single nucleotide variant.
Coding change: c.1691C>T on transcript NM_001084.5 (MANE Select); coding-DNA position 1691, C replaced by T.
Protein change: p.Pro564Leu; replaces proline 564 with leucine.
Molecular consequence: missense variant.
Genome position (GRCh38, 1-based): chr7:101,208,950, G>A on the plus strand (C>T on the coding strand, the complement: PLOD3 is on the minus strand). VCF-style: chr7-101208950-G-A. GRCh37 (hg19) VCF-style: chr7-100852231-G-A.
Other names: short protein forms P564L.
Identifiers: ClinVar variation 2192440 (VCV002192440.3), dbSNP rs749637576, ClinGen allele CA4407547.

ClinVar aggregate classification (germline): Uncertain significance (1 of 4 stars; one submission).

Allele frequency attached by ClinVar (database versions not stated): ExAC 0.00002; TOPMed 0.00002; gnomAD exomes 0.00003; gnomAD 0.00005.
gnomAD v4.1: 52 of 1,611,874 alleles (0.0032%); highest among the groups gnomAD compares: Admixed American, 0.0083%; no homozygotes.

Submission:

Labcorp Genetics (formerly Invitae), Labcorp
Classification: Uncertain significance. Last evaluated: 2024-10-30. Review status: criteria provided, single submitter. Criteria: Invitae Variant Classification Sherloc (09022015). Collection method: clinical testing. Allele origin: germline.
Comment: This sequence change replaces proline, which is neutral and non-polar, with leucine, which is neutral and non-polar, at codon 564 of the PLOD3 protein (p.Pro564Leu). This variant is present in population databases (rs749637576, gnomAD 0.009%). This variant has not been reported in the literature in individuals affected with PLOD3-related conditions. ClinVar contains an entry for this variant (Variation ID: 2192440). Invitae Evidence Modeling of protein sequence and biophysical properties (such as structural, functional, and spatial information, amino acid conservation, physicochemical variation, residue mobility, and thermodynamic stability) indicates that this missense variant is expected to disrupt PLOD3 protein function with a positive predictive value of 80%. In summary, the available evidence is currently insufficient to determine the role of this variant in disease. Therefore, it has been classified as a Variant of Uncertain Significance.